The following is an entry in ClinVar:

NM_177438.3(DICER1):c.3516T>G (p.Leu1172=)

Gene: DICER1 (dicer 1, ribonuclease III; minus strand). Cytogenetic location: 14q32.13.
Variant type: single nucleotide variant.
Coding change: c.3516T>G on transcript NM_177438.3 (MANE Select); coding-DNA position 3516, T replaced by G.
Protein change: p.Leu1172=; no amino-acid change (leucine 1172 retained).
Molecular consequence: synonymous variant.
Genome position (GRCh38, 1-based): chr14:95,103,880, A>C on the plus strand (T>G on the coding strand, the complement: DICER1 is on the minus strand). VCF-style: chr14-95103880-A-C. GRCh37 (hg19) VCF-style: chr14-95570217-A-C.
Other names: c.3516T>G, p.Leu1172= (NM_001195573.1, NM_001271282.3, NM_001291628.2 and 1 more transcripts).
Identifiers: ClinVar variation 756384 (VCV000756384.17), dbSNP rs1190256792, ClinGen allele CA487845038.

ClinVar aggregate classification (germline): Benign/Likely benign. Review status: criteria provided, multiple submitters, no conflicts (2 of 4 stars). 5 submissions from 5 submitters: Benign (1); Likely benign (4). Last evaluated 2026-04-17.

Conditions:
Hereditary cancer-predisposing syndrome. Also called: Tumor predisposition; Hereditary Cancer Syndrome; Hereditary neoplastic syndrome; Neoplastic Syndromes, Hereditary. Identifiers: Orphanet 140162, MedGen C0027672, MeSH D009386, MONDO:0015356.
DICER1-related tumor predisposition. Also called: DICER1 syndrome; DICER1-related pleuropulmonary blastoma cancer predisposition syndrome. Identifiers: Orphanet 284343, MedGen C3839822, MONDO:0100216.

Allele frequency attached by ClinVar (database versions not stated): gnomAD 0.00001; gnomAD exomes below 0.00001.
gnomAD v4.1: 2 of 1,614,070 alleles (0.00012%); highest among the groups gnomAD compares: Non-Finnish European, 0.00017%; no homozygotes.

Submissions (5):

Myriad Genetics, Inc.
Classification: Benign for DICER1-related tumor predisposition. Last evaluated: 2026-04-17. Review status: criteria provided, single submitter. Criteria: Myriad Autosomal Dominant, Autosomal Recessive and X-Linked Classification Criteria (2023). Collection method: clinical testing. Allele origin: unknown.
Comment: This variant is considered benign. This variant is a silent/synonymous amino acid change and it is not expected to impact splicing.

Center for Genomic Medicine, Rigshospitalet, Copenhagen University Hospital
Classification: Likely benign. Last evaluated: 2025-03-04. Review status: criteria provided, single submitter. Criteria: ACMG Guidelines, 2015. Collection method: clinical testing. Allele origin: germline.

Labcorp Genetics (formerly Invitae), Labcorp
Classification: Likely benign for DICER1-related tumor predisposition. Last evaluated: 2024-10-30. Review status: criteria provided, single submitter. Criteria: Invitae Variant Classification Sherloc (09022015). Collection method: clinical testing. Allele origin: germline.

Quest Diagnostics Nichols Institute San Juan Capistrano
Classification: Likely benign. Last evaluated: 2023-03-17. Review status: criteria provided, single submitter. Criteria: Quest Diagnostics criteria. Collection method: clinical testing. Allele origin: unknown.

Ambry Genetics
Classification: Likely benign for Hereditary cancer-predisposing syndrome. Last evaluated: 2020-04-09. Review status: criteria provided, single submitter. Criteria: Ambry Variant Classification Scheme 2023. Collection method: clinical testing. Allele origin: germline.